The following is an entry in ClinVar:

NM_000742.4(CHRNA2):c.394T>A (p.Ser132Thr)

Gene: CHRNA2 (cholinergic receptor nicotinic alpha 2 subunit; minus strand). Cytogenetic location: 8p21.2.
Variant type: single nucleotide variant.
Coding change: c.394T>A on transcript NM_000742.4 (MANE Select); coding-DNA position 394, T replaced by A.
Protein change: p.Ser132Thr; replaces serine 132 with threonine.
Molecular consequence: missense variant. On other transcripts: 5 prime UTR variant (4).
Genome position (GRCh38, 1-based): chr8:27,467,284, A>T on the plus strand (T>A on the coding strand, the complement: CHRNA2 is on the minus strand). VCF-style: chr8-27467284-A-T. GRCh37 (hg19) VCF-style: chr8-27324801-A-T.
Other names: c.349T>A, p.Ser117Thr (NM_001282455.2); c.-79T>A (NM_001347705.2, NM_001347706.2); c.-65T>A (NM_001347707.2); c.-68T>A (NM_001347708.2); short protein forms S117T, S132T.
Identifiers: ClinVar variation 1051910 (VCV001051910.5), dbSNP rs775662796, ClinGen allele CA4689679.
Genomic context (GRCh38, chr8:27,467,284, plus strand): 5'-CCTACTTGTTGTAGAGAACAATGTCGGGGATCCAGATCATCTCAGAAGGGACCCTGAGAG[A>T]TGTGATGTTGCCAAAATCAGTGGGGTTCCAGCGCAGTTTGTAGTCGCTCCACTCCTGTGT-3'
Protein context (NP_000733.2, residues 122-142): WNPTDFGNIT[Ser132Thr]LRVPSEMIWI

ClinVar aggregate classification (germline): Uncertain significance (1 of 4 stars; one submission).

Conditions:
Familial sleep-related hypermotor epilepsy. Also called: Autosomal Dominant Sleep-Related Hypermotor (Hyperkinetic) Epilepsy. Identifiers: Orphanet 98784, MedGen C3696898, MONDO:0000030.

Allele frequency attached by ClinVar (database versions not stated): gnomAD exomes 0.00001 and 0.00002; ExAC 0.00005.
gnomAD v4.1: 8 of 1,614,090 alleles (0.0005%); highest among the groups gnomAD compares: Non-Finnish European, 0.00059%; no homozygotes.

Submission:

Labcorp Genetics (formerly Invitae), Labcorp
Classification: Uncertain significance. Last evaluated: 2025-03-20. Review status: criteria provided, single submitter. Criteria: Invitae Variant Classification Sherloc (09022015). Collection method: clinical testing. Allele origin: germline.
Comment: This sequence change replaces serine, which is neutral and polar, with threonine, which is neutral and polar, at codon 132 of the CHRNA2 protein (p.Ser132Thr). This variant is present in population databases (rs775662796, gnomAD 0.004%). This variant has not been reported in the literature in individuals affected with CHRNA2-related conditions. ClinVar contains an entry for this variant (Variation ID: 1051910). Invitae Evidence Modeling of protein sequence and biophysical properties (such as structural, functional, and spatial information, amino acid conservation, physicochemical variation, residue mobility, and thermodynamic stability) indicates that this missense variant is not expected to disrupt CHRNA2 protein function with a negative predictive value of 80%. In summary, the available evidence is currently insufficient to determine the role of this variant in disease. Therefore, it has been classified as a Variant of Uncertain Significance.